The following is an entry in ClinVar:

NC_000001.10:g.(?_94462147)_(94586601_?)del

Gene: ABCA4 (ATP binding cassette subfamily A member 4; minus strand). Cytogenetic location: 1p22.1.
Variant type: Deletion.
Identifiers: ClinVar variation 2422945 (VCV002422945.4).

ClinVar aggregate classification (germline): Pathogenic (1 of 4 stars; one submission).

Submission:

Labcorp Genetics (formerly Invitae), Labcorp
Classification: Pathogenic. Last evaluated: 2022-02-01. Review status: criteria provided, single submitter. Criteria: Invitae Variant Classification Sherloc (09022015). Collection method: clinical testing. Allele origin: germline.
Comment: For these reasons, this variant has been classified as Pathogenic. This variant has not been reported in the literature in individuals affected with ABCA4-related conditions. This sequence change is a complex rearrangement involving exons 1-48 of the ABCA4 gene, which includes the initiator codon. It is a deletion spanning exons 1-48 and likely has exons 2-6 reinserted but inverted. Although the exact nature of the event is unknown, it is likely to result in an absent or disrupted protein product. Loss-of-function variants in ABCA4 are known to be pathogenic (PMID: 10958761, 24938718, 25312043, 26780318).

Literature cited by the submitters: PubMed 10958761; PubMed 24938718; PubMed 25312043; PubMed 26780318.